The following is an entry in ClinVar:

NM_001318510.2(ACSL4):c.228+7T>G

Gene: ACSL4 (acyl-CoA synthetase long chain family member 4; minus strand). Cytogenetic location: Xq23.
Variant type: single nucleotide variant.
Coding change: c.228+7T>G on transcript NM_001318510.2 (MANE Select); 7 bases into the intron after coding-DNA position 228, T replaced by G.
Molecular consequence: intron variant.
Genome position (GRCh38, 1-based): chrX:109,683,129, A>C on the plus strand (T>G on the coding strand, the complement: ACSL4 is on the minus strand). VCF-style: chrX-109683129-A-C. GRCh37 (hg19) VCF-style: chrX-108926358-A-C.
Other names: c.228+7T>G (NM_004458.3); c.351+7T>G (NM_001318509.2, NM_022977.3).
Identifiers: ClinVar variation 2661185 (VCV002661185.24), dbSNP rs2521235754, ClinGen allele CA2695197140.
Genomic context (GRCh38, chrX:109,683,129, plus strand): 5'-CGATTTATGATAAAACAAATGTGTCTTCCTCTTTAAAACATAAATGAAAAGCACCAAAAT[A>C]CTTTACCTTCTTAAAAACTTTTCCATTTGGCTGCATTTCATTTTCTTCACTTAGGATTTC-3'

ClinVar aggregate classification (germline): Uncertain significance (1 of 4 stars; one submission).

Submission:

CeGaT Center for Human Genetics Tuebingen
Classification: Uncertain significance. Last evaluated: 2023-09-01. Review status: criteria provided, single submitter. Criteria: CeGaT Center For Human Genetics Tuebingen Variant Classification Criteria Version 2. Collection method: clinical testing. Allele origin: germline. Affected: yes. Observed: 1 variant allele.
Comment: ACSL4: PM2, BP4